The following is an entry in ClinVar:

NM_170707.4(LMNA):c.397C>T (p.Arg133Trp)

Genes: LMNA (lamin A/C; plus strand), LOC126805877 (MED14-independent group 3 enhancer GRCh37_chr1:156099693-156100892; plus strand). Cytogenetic location: 1q22.
Variant type: single nucleotide variant.
Coding change: c.397C>T on transcript NM_170707.4 (MANE Select); coding-DNA position 397, C replaced by T.
Protein change: p.Arg133Trp; replaces arginine 133 with tryptophan.
Molecular consequence: missense variant.
Genome position (GRCh38, 1-based): chr1:156,130,657, C>T. VCF-style: chr1-156130657-C-T. GRCh37 (hg19) VCF-style: chr1-156100448-C-T.
Other names: c.397C>T (NM_170707.3); c.61C>T, p.Arg21Trp (NM_001257374.3, NM_001406989.1, NM_001406998.1); c.154C>T, p.Arg52Trp (NM_001282624.2, NM_001406986.1, NM_001406987.1); c.397C>T, p.Arg133Trp (NM_001282625.2, NM_001282626.2, NM_001406983.1 and 6 more transcripts); c.100C>T, p.Arg34Trp (NM_001406988.1); c.-162C>T (NM_001406993.1, NM_001406996.1, NM_001406997.1 and 1 more transcripts); c.-268C>T (NM_001406994.1, NM_001406999.1, NM_001407000.1); short protein forms R52W, R133W, R34W, R21W.
Identifiers: ClinVar variation 1962928 (VCV001962928.6), dbSNP rs1650974818, ClinGen allele CA342815178.

ClinVar aggregate classification (germline): Conflicting classifications of pathogenicity. Review status: criteria provided, conflicting classifications (1 of 4 stars). 2 submissions from 2 submitters: Likely pathogenic (1); Uncertain significance (1). Last evaluated 2025-05-25.

Conditions:
Charcot-Marie-Tooth disease type 2. Also called: Charcot-Marie-Tooth type 2. Identifiers: Orphanet 64746, MedGen C0270914, MONDO:0018993.

Allele frequency attached by ClinVar (database versions not stated): gnomAD exomes below 0.00001; TOPMed below 0.00001.
gnomAD v4.1: 2 of 1,614,056 alleles (0.00012%); highest among the groups gnomAD compares: Non-Finnish European, 0.000085%; no homozygotes.

Submissions (2):

Labcorp Genetics (formerly Invitae), Labcorp
Classification: Likely pathogenic for Charcot-Marie-Tooth disease type 2. Last evaluated: 2025-05-25. Review status: criteria provided, single submitter. Criteria: Invitae Variant Classification Sherloc (09022015). Collection method: clinical testing. Allele origin: germline.
Comment: This sequence change replaces arginine, which is basic and polar, with tryptophan, which is neutral and slightly polar, at codon 133 of the LMNA protein (p.Arg133Trp). This variant is not present in population databases (gnomAD no frequency). This missense change has been observed in individual(s) with clinical features of autosomal dominant LMNA-related conditions (PMID: 30178466). ClinVar contains an entry for this variant (Variation ID: 1962928). Invitae Evidence Modeling of protein sequence and biophysical properties (such as structural, functional, and spatial information, amino acid conservation, physicochemical variation, residue mobility, and thermodynamic stability) indicates that this missense variant is expected to disrupt LMNA protein function with a positive predictive value of 95%. This variant disrupts the p.Arg133 amino acid residue in LMNA. Other variant(s) that disrupt this residue have been determined to be pathogenic (PMID: 11503164, 12629077, 12927431, 14615128, 16174718; internal data). This suggests that this residue is clinically significant, and that variants that disrupt this residue are likely to be disease-causing. In summary, the currently available evidence indicates that the variant is pathogenic, but additional data are needed to prove that conclusively. Therefore, this variant has been classified as Likely Pathogenic.

Women's Health and Genetics/Laboratory Corporation of America, LabCorp
Classification: Uncertain significance. Last evaluated: 2023-06-12. Review status: criteria provided, single submitter. Criteria: LabCorp Variant Classification Summary - May 2015. Collection method: clinical testing. Allele origin: germline.
Comment: Variant summary: LMNA c.397C>T (p.Arg133Trp) results in a non-conservative amino acid change located in the Intermediate filament rod domain (IPR039008) of the encoded protein sequence. Four of five in-silico tools predict a damaging effect of the variant on protein function. The variant was absent in 251388 control chromosomes in GnomAD. The available data on variant occurrences in the general population are insufficient to allow any conclusion about variant significance. One publication reported LMNA p.Arg133Trp in a family with atypical dilated Cardiomyopathy phenotype, without strong evidence for causality (Captur_2018). This report does not provide unequivocal conclusions about association of the variant with Dilated Cardiomyopathy. Several same codon missense variants with different amino acid changes have been reported in individuals with features of LMNA-related diseases (p.R133L/P/G/Q. PMID: 27884249,11503164,12629077). In particular, c.398G>T (p.Arg133Leu) is known as Pathogenic with multiple functional and case-level evidences (ClinVar ID: 14488). This suggests that this residue is clinically significant, and that variants disrupting this residue may be disease-causing. To our knowledge, no experimental evidence demonstrating an impact on protein function has been reported. One clinical diagnostic laboratory (Invitae) has assessed this variant as likely pathogenic in ClinVar after 2014 without evidence for independent evaluation. Based on the evidence outlined above, the variant was classified as uncertain significance.

Literature cited by the submitters: PubMed 30178466 (cited by Labcorp Genetics (formerly Invitae), Labcorp and Women's Health and Genetics/Laboratory Corporation of America, LabCorp); PubMed 11503164 (cited by Labcorp Genetics (formerly Invitae), Labcorp); PubMed 12629077 (cited by Labcorp Genetics (formerly Invitae), Labcorp); PubMed 12927431 (cited by Labcorp Genetics (formerly Invitae), Labcorp); PubMed 14615128 (cited by Labcorp Genetics (formerly Invitae), Labcorp); PubMed 16174718 (cited by Labcorp Genetics (formerly Invitae), Labcorp).